The following is an entry in ClinVar:

NM_024105.4(ALG12):c.1280T>C (p.Leu427Pro)

Gene: ALG12 (ALG12 alpha-1,6-mannosyltransferase; minus strand). Cytogenetic location: 22q13.33.
Variant type: single nucleotide variant.
Coding change: c.1280T>C on transcript NM_024105.4 (MANE Select); coding-DNA position 1280, T replaced by C.
Protein change: p.Leu427Pro; replaces leucine 427 with proline.
Molecular consequence: missense variant.
Genome position (GRCh38, 1-based): chr22:49,904,025, A>G on the plus strand (T>C on the coding strand, the complement: ALG12 is on the minus strand). VCF-style: chr22-49904025-A-G. GRCh37 (hg19) VCF-style: chr22-50297673-A-G.
Other names: short protein forms L427P.
Identifiers: ClinVar variation 2088370 (VCV002088370.2), dbSNP rs2519257232, ClinGen allele CA412071755.

ClinVar aggregate classification (germline): Uncertain significance (1 of 4 stars; one submission).

Conditions:
ALG12-congenital disorder of glycosylation (CDG1G). Also called: ALG12-CDG; Congenital disorder of glycosylation, type Ig; CDG Ig. Identifiers: Orphanet 79324, MedGen C2931001, MONDO:0011783, OMIM 607143.

Submission:

Labcorp Genetics (formerly Invitae), Labcorp
Classification: Uncertain significance for ALG12-congenital disorder of glycosylation. Last evaluated: 2022-06-29. Review status: criteria provided, single submitter. Criteria: Invitae Variant Classification Sherloc (09022015). Collection method: clinical testing. Allele origin: germline.
Comment: In summary, the available evidence is currently insufficient to determine the role of this variant in disease. Therefore, it has been classified as a Variant of Uncertain Significance. Algorithms developed to predict the effect of missense changes on protein structure and function are either unavailable or do not agree on the potential impact of this missense change (SIFT: "Deleterious"; PolyPhen-2: "Possibly Damaging"; Align-GVGD: "Class C15"). This variant has not been reported in the literature in individuals affected with ALG12-related conditions. This variant is not present in population databases (gnomAD no frequency). This sequence change replaces leucine, which is neutral and non-polar, with proline, which is neutral and non-polar, at codon 427 of the ALG12 protein (p.Leu427Pro).